The following is an entry in ClinVar:

NM_001387263.1(PATL2):c.59T>C (p.Leu20Pro)

Gene: PATL2 (PAT1 homolog 2; minus strand). Cytogenetic location: 15q21.1.
Variant type: single nucleotide variant.
Coding change: c.59T>C on transcript NM_001387263.1 (MANE Select); coding-DNA position 59, T replaced by C.
Protein change: p.Leu20Pro; replaces leucine 20 with proline.
Molecular consequence: missense variant. On other transcripts: intron variant (1).
Genome position (GRCh38, 1-based): chr15:44,675,649, A>G on the plus strand (T>C on the coding strand, the complement: PATL2 is on the minus strand). VCF-style: chr15-44675649-A-G. GRCh37 (hg19) VCF-style: chr15-44967847-A-G.
Other names: c.59T>C, p.Leu20Pro (NM_001145112.2, NM_001387260.1, NM_001387261.1 and 2 more transcripts); c.-467+826T>C (NM_001330283.2); short protein forms L20P.
Identifiers: ClinVar variation 3037265 (VCV003037265.2), dbSNP rs77918503, ClinGen allele CA7536223.

ClinVar aggregate classification (germline): Benign (0 of 4 stars; one submission).

Conditions:
PATL2-related disorder. Also called: PATL2-related condition.

Allele frequency attached by ClinVar (database versions not stated): gnomAD exomes 0.00631; ExAC 0.02439; gnomAD 0.04734; ESP Exome Variant Server 0.04899; TOPMed 0.05155; 1000 Genomes Project 0.07109; 1000 Genomes Project 30x 0.07277.
gnomAD v4.1: 16,669 of 1,551,428 alleles (1.1%); highest among the groups gnomAD compares: African/African-American, 15%; 1,047 homozygotes.

Submission:

PreventionGenetics, part of Exact Sciences
Classification: Benign for PATL2-related condition. Last evaluated: 2019-10-22. Review status: no assertion criteria provided. Collection method: clinical testing. Allele origin: germline.
Comment: This variant is classified as benign based on ACMG/AMP sequence variant interpretation guidelines (Richards et al. 2015 PMID: 25741868, with internal and published modifications).